The following is an entry in ClinVar:

NM_000059.4(BRCA2):c.3301C>T (p.His1101Tyr)

Gene: BRCA2 (BRCA2 DNA repair associated; plus strand). Cytogenetic location: 13q13.1.
Variant type: single nucleotide variant.
Coding change: c.3301C>T on transcript NM_000059.4 (MANE Select); coding-DNA position 3301, C replaced by T.
Protein change: p.His1101Tyr; replaces histidine 1101 with tyrosine.
Molecular consequence: missense variant.
Genome position (GRCh38, 1-based): chr13:32,337,656, C>T. VCF-style: chr13-32337656-C-T. GRCh37 (hg19) VCF-style: chr13-32911793-C-T.
Other names: short protein forms H1101Y.
Identifiers: ClinVar variation 51447 (VCV000051447.8), dbSNP rs80358576, ClinGen allele CA017742.
Genomic context (GRCh38, chr13:32,337,656, plus strand): 5'-TGTAAAAATAGTCATATAACCCCTCAGATGTTATTTTCCAAGCAGGATTTTAATTCAAAC[C>T]ATAATTTAACACCTAGCCAAAAGGCAGAAATTACAGAACTTTCTACTATATTAGAAGAAT-3'
Protein context (NP_000050.3, residues 1091-1111): LFSKQDFNSN[His1101Tyr]NLTPSQKAEI

ClinVar aggregate classification (germline): Conflicting classifications of pathogenicity. Review status: criteria provided, conflicting classifications (1 of 4 stars). 3 submissions from 3 submitters: Uncertain significance (1); Likely benign (1). 1 of the submissions does not count toward it. Last evaluated 2023-03-23.

Conditions:
Breast-ovarian cancer, familial, susceptibility to, 2 (BROVCA2). Also called: BRCA2 Hereditary Breast and Ovarian Cancer. Identifiers: Orphanet 145, MedGen C2675520, MONDO:0012933, OMIM 612555. Disease mechanism: loss of function.
Hereditary cancer-predisposing syndrome. Also called: Neoplastic Syndromes, Hereditary; Tumor predisposition; Hereditary Cancer Syndrome; Hereditary neoplastic syndrome. Identifiers: Orphanet 140162, MedGen C0027672, MeSH D009386, MONDO:0015356.

gnomAD v4.1: 1 of 1,587,900 alleles (0.000063%); highest among the groups gnomAD compares: Non-Finnish European, 0.000086%; no homozygotes.

Submissions (3):

University of Washington Department of Laboratory Medicine, University of Washington
Classification: Likely benign for Hereditary cancer-predisposing syndrome. Last evaluated: 2023-03-23. Review status: criteria provided, single submitter. Criteria: Dines et al. (Genet Med. 2020). Collection method: curation. Allele origin: germline.
Comment: Missense variant in a coldspot region where missense variants are very unlikely to be pathogenic (PMID:31911673).

BRCA2 exon 11 coldspot. Reclassification based on statistical prior probability.

Ambry Genetics
Classification: Uncertain significance for Hereditary cancer-predisposing syndrome. Last evaluated: 2020-10-01. Review status: criteria provided, single submitter. Criteria: Ambry Variant Classification Scheme 2023. Collection method: clinical testing. Allele origin: germline.
Comment: The p.H1101Y variant (also known as c.3301C>T), located in coding exon 10 of the BRCA2 gene, results from a C to T substitution at nucleotide position 3301. The histidine at codon 1101 is replaced by tyrosine, an amino acid with similar properties. This amino acid position is not well conserved in available vertebrate species. In addition, this alteration is predicted to be tolerated by in silico analysis. Since supporting evidence is limited at this time, the clinical significance of this alteration remains unclear.

Breast Cancer Information Core (BIC) (BRCA2)
Classification: Uncertain significance for Breast-ovarian cancer, familial 2. Last evaluated: 2003-12-23. Review status: no assertion criteria provided. Collection method: clinical testing. Allele origin: germline. Affected: yes. Observed: 1 variant allele. Not counted in ClinVar's aggregate classification.